The following is an entry in ClinVar:

ClinVar aggregate classification (germline): Uncertain significance. Review status: criteria provided, multiple submitters, no conflicts (2 of 4 stars). 2 submissions from 2 submitters: Uncertain significance (2). Last evaluated 2026-03-02.

Allele frequency attached by ClinVar (database versions not stated): gnomAD exomes 0.00001; ExAC 0.00002.

Submissions (2):

Ambry Genetics
Classification: Uncertain significance. Last evaluated: 2026-03-02. Review status: criteria provided, single submitter. Criteria: Ambry Variant Classification Scheme 2023. Collection method: clinical testing. Allele origin: germline.
Comment: The c.1974+2dupT intronic variant, results from a duplication of two nucleotides at nucleotide position 1974 after intron 10 of the ATRIP gene. This nucleotide position is highly conserved in available vertebrate species. In silico splice site analysis predicts that this alteration may weaken the native splice donor site. The evidence for this gene-disease relationship is limited; therefore, the clinical significance of this variant is unclear.

Labcorp Genetics (formerly Invitae), Labcorp
Classification: Uncertain significance. Last evaluated: 2022-07-23. Review status: criteria provided, single submitter. Criteria: Invitae Variant Classification Sherloc (09022015). Collection method: clinical testing. Allele origin: germline.
Comment: This sequence change falls in intron 10 of the ATRIP gene. It does not directly change the encoded amino acid sequence of the ATRIP protein. It affects a nucleotide within the consensus splice site. This variant is present in population databases (rs745885093, gnomAD 0.02%). In summary, the available evidence is currently insufficient to determine the role of this variant in disease. Therefore, it has been classified as a Variant of Uncertain Significance. Variants that disrupt the consensus splice site are a relatively common cause of aberrant splicing (PMID: 17576681, 9536098). Algorithms developed to predict the effect of sequence changes on RNA splicing suggest that this variant may disrupt the consensus splice site. This variant has not been reported in the literature in individuals affected with ATRIP-related conditions.

Literature cited by the submitters: PubMed 17576681 (cited by Labcorp Genetics (formerly Invitae), Labcorp); PubMed 9536098 (cited by Labcorp Genetics (formerly Invitae), Labcorp).

NM_130384.3(ATRIP):c.1974+2dup

Genes: ATRIP (ATR interacting protein; plus strand), ATRIP-TREX1 (ATRIP-TREX1 readthrough; plus strand). Cytogenetic location: 3p21.31.
Variant type: Duplication.
Coding change: c.1974+2dup on transcript NM_130384.3 (MANE Select); the canonical splice donor site of the intron after coding-DNA position 1974, one base duplicated (T; older notation c.1974+2dupT).
Molecular consequence: splice donor variant.
Genome position (GRCh38, 1-based): chr3:48,464,134, T duplicated. VCF-style (leftmost placement, unchanged base first): chr3-48464133-G-GT. GRCh37 (hg19) VCF-style: chr3-48505532-G-GT.
Other names: c.1974+2dupT (NM_130384.1); c.1974+2dup (NM_032166.4); c.1593+2dup (NM_001271022.2); c.1695+2dup (NM_001271023.2).
Identifiers: ClinVar variation 2019054 (VCV002019054.5), dbSNP rs745885093, ClinGen allele CA2376330.
Genomic context (GRCh38, chr3:48,464,133, plus strand): 5'-ATCACATCACGGCCTGACAGAGTGGCCTTGGAGACACAATGGCTCCAGCTGGAACAAGAG[G>GT]TAAAAACTCCAGAGCCCCTTCTGGACACTGTCCCCACCCCATCCTAAGAACCAACAGAAT-3'